The following is an entry in ClinVar:

ClinVar aggregate classification (germline): Uncertain significance. Review status: criteria provided, single submitter (1 of 4 stars). 2 submissions from 2 submitters: Uncertain significance (1). 1 of the submissions does not count toward it. Last evaluated 2021-08-30.

Conditions:
Glycogen storage disease type III (GSD3). Also called: FORBES DISEASE; Cori disease. Identifiers: Orphanet 366, MedGen C0017922, MONDO:0009291, OMIM 232400.

Allele frequency attached by ClinVar (database versions not stated): gnomAD 0.00001; gnomAD exomes 0.00001; TOPMed 0.00002.
gnomAD v4.1: 14 of 1,612,604 alleles (0.00087%); highest among the groups gnomAD compares: Non-Finnish European, 0.0011%; no homozygotes.

Submissions (2):

Labcorp Genetics (formerly Invitae), Labcorp
Classification: Uncertain significance for Glycogen storage disease type III. Last evaluated: 2021-08-30. Review status: criteria provided, single submitter. Criteria: Invitae Variant Classification Sherloc (09022015). Collection method: clinical testing. Allele origin: germline.
Comment: This sequence change replaces phenylalanine with leucine at codon 1254 of the AGL protein (p.Phe1254Leu). The phenylalanine residue is moderately conserved and there is a small physicochemical difference between phenylalanine and leucine. This variant is not present in population databases (ExAC no frequency). This variant has not been reported in the literature in individuals affected with AGL-related conditions. Algorithms developed to predict the effect of missense changes on protein structure and function output the following: SIFT: "Tolerated"; PolyPhen-2: "Benign"; Align-GVGD: "Class C0". The leucine amino acid residue is found in multiple mammalian species, which suggests that this missense change does not adversely affect protein function. In summary, the available evidence is currently insufficient to determine the role of this variant in disease. Therefore, it has been classified as a Variant of Uncertain Significance.

Natera, Inc.
Classification: Uncertain significance for Glycogen storage disease type III. Last evaluated: 2020-01-17. Review status: no assertion criteria provided. Collection method: clinical testing. Allele origin: germline. Not counted in ClinVar's aggregate classification.

NM_000642.3(AGL):c.3762C>A (p.Phe1254Leu)

Gene: AGL (amylo-alpha-1,6-glucosidase and 4-alpha-glucanotransferase; plus strand). Cytogenetic location: 1p21.2.
Variant type: single nucleotide variant.
Coding change: c.3762C>A on transcript NM_000642.3 (MANE Select); coding-DNA position 3762, C replaced by A.
Protein change: p.Phe1254Leu; replaces phenylalanine 1254 with leucine.
Molecular consequence: missense variant.
Genome position (GRCh38, 1-based): chr1:99,910,773, C>A. VCF-style: chr1-99910773-C-A. GRCh37 (hg19) VCF-style: chr1-100376329-C-A.
Other names: c.3561C>A, p.Phe1187Leu (NM_001425327.1); c.3558C>A, p.Phe1186Leu (NM_001425328.1); c.3423C>A, p.Phe1141Leu (NM_001425329.1); c.3384C>A, p.Phe1128Leu (NM_001425332.1); c.3762C>A, p.Phe1254Leu (NM_000028.3, NM_000643.3, NM_000644.3 and 1 more transcripts); c.3714C>A, p.Phe1238Leu (NM_000646.3); c.3741C>A, p.Phe1247Leu (NM_001425326.1); short protein forms F1254L, F1238L, F1128L, F1141L, F1186L, F1187L, F1247L.
Identifiers: ClinVar variation 456496 (VCV000456496.7), dbSNP rs1324875747, ClinGen allele CA341337698.
Genomic context (GRCh38, chr1:99,910,773, plus strand): 5'-TTTTAATATAACTGCAGGAGTTGATGAAGAAACAGGATTTGTTTATGGAGGAAATCGTTT[C>A]AATTGTGGCACATGGATGGATAAAATGGGAGAAAGTGACAGAGCTAGAAACAGAGGAATC-3'
Protein context (NP_000633.2, residues 1244-1264): ETGFVYGGNR[Phe1254Leu]NCGTWMDKMG